The following is an entry in ClinVar:

ClinVar aggregate classification (germline): Likely benign. Review status: criteria provided, multiple submitters, no conflicts (2 of 4 stars). 2 submissions from 2 submitters: Likely benign (2). Last evaluated 2026-05-27.

Conditions:
Gastrointestinal stromal tumor. Also called: Gastrointestinal stroma tumor; Gastrointestinal stromal tumor, somatic. Identifiers: Orphanet 44890, MedGen C0238198, MeSH D046152, MONDO:0011719, OMIM 606764, HP:0100723.

Allele frequency attached by ClinVar (database versions not stated): gnomAD exomes below 0.00001 and 0.00001; ExAC 0.00001.
gnomAD v4.1: 3 of 1,612,914 alleles (0.00019%); highest among the groups gnomAD compares: Non-Finnish European, 0.00017%; no homozygotes.

Submissions (2):

Myriad Genetics, Inc.
Classification: Likely benign for Gastrointestinal stromal tumor. Last evaluated: 2026-05-27. Review status: criteria provided, single submitter. Criteria: Myriad Autosomal Dominant, Autosomal Recessive and X-Linked Classification Criteria (2023). Collection method: clinical testing. Allele origin: unknown.
Comment: This variant is considered likely benign. This variant is intronic and is not expected to impact mRNA splicing.

Labcorp Genetics (formerly Invitae), Labcorp
Classification: Likely benign for Gastrointestinal stromal tumor. Last evaluated: 2025-05-23. Review status: criteria provided, single submitter. Criteria: Invitae Variant Classification Sherloc (09022015). Collection method: clinical testing. Allele origin: germline.

NM_000222.3(KIT):c.1879+7T>A

Gene: KIT (KIT proto-oncogene, receptor tyrosine kinase; plus strand). Cytogenetic location: 4q12.
Variant type: single nucleotide variant.
Coding change: c.1879+7T>A on transcript NM_000222.3 (MANE Select); 7 bases into the intron after coding-DNA position 1879, T replaced by A.
Molecular consequence: intron variant.
Genome position (GRCh38, 1-based): chr4:54,727,934, T>A. VCF-style: chr4-54727934-T-A. GRCh37 (hg19) VCF-style: chr4-55594100-T-A.
Other names: c.1882+7T>A (NM_001385284.1, NM_001385290.1); c.1870+7T>A (NM_001385288.1, NM_001385292.1); c.1879+7T>A (NM_001385285.1); c.1867+7T>A (NM_001093772.2, NM_001385286.1).
Identifiers: ClinVar variation 1091849 (VCV001091849.10), dbSNP rs751507194, ClinGen allele CA2923590.